The following is an entry in ClinVar:

ClinVar aggregate classification (germline): Conflicting classifications of pathogenicity. Review status: criteria provided, conflicting classifications (1 of 4 stars). 3 submissions from 3 submitters: Uncertain significance (2); Likely benign (1). Last evaluated 2026-02-03.

Conditions:
Pitt-Hopkins-like syndrome 2 (PTHSL2). Identifiers: Orphanet 221150, Orphanet 600663, MedGen C3280479, MONDO:0013690, OMIM 614325.
Inborn genetic diseases. Identifiers: MedGen C0950123, MeSH D030342.

Allele frequency attached by ClinVar (database versions not stated): gnomAD exomes 0.00006 and 0.00014; TOPMed 0.00007; gnomAD 0.00011 and 0.00012; ExAC 0.00017.
gnomAD v4.1: 102 of 1,471,656 alleles (0.0069%); highest among the groups gnomAD compares: Admixed American, 0.06%; no homozygotes.

Submissions (3):

Labcorp Genetics (formerly Invitae), Labcorp
Classification: Uncertain significance for Pitt-Hopkins-like syndrome 2. Last evaluated: 2026-02-03. Review status: criteria provided, single submitter. Criteria: Invitae Variant Classification Sherloc (09022015). Collection method: clinical testing. Allele origin: germline.
Comment: This sequence change replaces leucine, which is neutral and non-polar, with phenylalanine, which is neutral and non-polar, at codon 13 of the NRXN1 protein (p.Leu13Phe). This variant is present in population databases (rs201674835, gnomAD 0.05%). This missense change has been observed in individual(s) with autism (PMID: 18490107). ClinVar contains an entry for this variant (Variation ID: 589911). An algorithm developed to predict the effect of missense changes on protein structure and function (PolyPhen-2) suggests that this variant is likely to be disruptive. In summary, the available evidence is currently insufficient to determine the role of this variant in disease. Therefore, it has been classified as a Variant of Uncertain Significance.

GeneDx
Classification: Likely benign. Last evaluated: 2021-03-19. Review status: criteria provided, single submitter. Criteria: GeneDx Variant Classification Process June 2021. Collection method: clinical testing. Allele origin: germline. Affected: yes.
Comment: This variant is associated with the following publications: (PMID: 29221905, 20468056, 18490107)

Ambry Genetics
Classification: Uncertain significance for Inborn genetic diseases. Last evaluated: 2020-07-28. Review status: criteria provided, single submitter. Criteria: Ambry Variant Classification Scheme 2023. Collection method: clinical testing. Allele origin: germline.
Comment: The p.L13F variant (also known as c.37C>T), located in coding exon 1 of the NRXN1 gene, results from a C to T substitution at nucleotide position 37. The leucine at codon 13 is replaced by phenylalanine, an amino acid with highly similar properties. This amino acid position is well conserved in available vertebrate species. In addition, this alteration is predicted to be tolerated by in silico analysis. Since supporting evidence is limited at this time, the clinical significance of this alteration remains unclear.

Literature cited by the submitters: PubMed 18490107 (cited by Labcorp Genetics (formerly Invitae), Labcorp and Ambry Genetics); PubMed 20468056 (cited by Ambry Genetics); PubMed 29221905 (cited by Ambry Genetics).

NM_001330078.2(NRXN1):c.37C>T (p.Leu13Phe)

Gene: NRXN1 (neurexin 1; minus strand). Cytogenetic location: 2p16.3.
Variant type: single nucleotide variant.
Coding change: c.37C>T on transcript NM_001330078.2 (MANE Select); coding-DNA position 37, C replaced by T.
Protein change: p.Leu13Phe; replaces leucine 13 with phenylalanine.
Molecular consequence: missense variant.
Genome position (GRCh38, 1-based): chr2:51,028,237, G>A on the plus strand (C>T on the coding strand, the complement: NRXN1 is on the minus strand). VCF-style: chr2-51028237-G-A. GRCh37 (hg19) VCF-style: chr2-51255375-G-A.
Other names: c.37C>T, p.Leu13Phe (NM_001135659.3, NM_001330077.2, NM_001330079.2 and 15 more transcripts); short protein forms L13F.
Identifiers: ClinVar variation 589911 (VCV000589911.15), dbSNP rs201674835, ClinGen allele CA1655568.
Genomic context (GRCh38, chr2:51,028,237, plus strand): 5'-ACTCCAGCCCGCTGCCCAGCTCCGCCCAGCAGCCCAGGAGCAGCAGCGAGAGGCACAGAA[G>A]AAAACAGCCCCCGCGCTGGAGCAGCGCCGTCCCCATGCTCGGGGCTGGGGTGCGGCGGGG-3'
Protein context (NP_001317007.1, residues 3-23): TALLQRGGCF[Leu13Phe]LCLSLLLLGC